The following is an entry in ClinVar:

ClinVar aggregate classification (germline): Uncertain significance. Review status: criteria provided, multiple submitters, no conflicts (2 of 4 stars). 2 submissions from 2 submitters: Uncertain significance (2). Last evaluated 2026-07-06.

Conditions:
Hereditary cancer-predisposing syndrome. Also called: Neoplastic Syndromes, Hereditary; Hereditary Cancer Syndrome; Tumor predisposition; Hereditary neoplastic syndrome. Identifiers: Orphanet 140162, MedGen C0027672, MeSH D009386, MONDO:0015356.

Submissions (2):

Ambry Genetics
Classification: Uncertain significance for Hereditary cancer-predisposing syndrome. Last evaluated: 2026-07-06. Review status: criteria provided, single submitter. Criteria: Ambry Variant Classification Scheme 2023. Collection method: clinical testing. Allele origin: germline.
Comment: The p.G361E variant (also known as c.1082G>A), located in coding exon 10 of the PMS2 gene, results from a G to A substitution at nucleotide position 1082. The glycine at codon 361 is replaced by glutamic acid, an amino acid with similar properties. This amino acid position is conserved. In addition, this alteration is predicted to be tolerated by in silico analysis. Based on the available evidence, the clinical significance of this variant remains unclear.

GeneDx
Classification: Uncertain significance. Last evaluated: 2015-04-24. Review status: criteria provided, single submitter. Criteria: GeneDx Variant Classification (06012015). Collection method: clinical testing. Allele origin: germline. Affected: yes.
Comment: This variant is denoted PMS2 c.1082G>A at the cDNA level, p.Gly361Glu (G361E) at the protein level, and results in the change of a Glycine to a Glutamic Acid (GGA>GAA). This variant has not, to our knowledge, been published in the literature as pathogenic or benign. PMS2 Gly361Glu was not observed in approximately 6,500 individuals of European and African American ancestry in the NHLBI Exome Sequencing Project, indicating it is not a common benign variant in these populations. Since Glycine and Glutamic Acid differ in polarity, charge, size or other properties, this is considered a non-conservative amino acid substitution. PMS2 Gly361Glu occurs at a position that is not conserved across species and is not located in a known functional domain (UniProt). In silico analyses predict that this variant is unlikely to alter protein structure or function. Based on currently available information, it is unclear whether PMS2 Gly361Glu is pathogenic or benign. We consider it to be a variant of uncertain significance.

NM_000535.7(PMS2):c.1082G>A (p.Gly361Glu)

Gene: PMS2 (PMS1 homolog 2, mismatch repair system component; minus strand). Cytogenetic location: 7p22.1.
Variant type: single nucleotide variant.
Coding change: c.1082G>A on transcript NM_000535.7 (MANE Select); coding-DNA position 1082, G replaced by A.
Protein change: p.Gly361Glu; replaces glycine 361 with glutamic acid.
Molecular consequence: missense variant. On other transcripts: non-coding transcript variant (1), intron variant (2).
Genome position (GRCh38, 1-based): chr7:5,989,862, C>T on the plus strand (G>A on the coding strand, the complement: PMS2 is on the minus strand). VCF-style: chr7-5989862-C-T. GRCh37 (hg19) VCF-style: chr7-6029493-C-T.
Other names: c.677G>A, p.Gly226Glu (NM_001322003.2, NM_001322004.2, NM_001322005.2 and 1 more transcripts); c.764G>A, p.Gly255Glu (NM_001322007.2, NM_001322008.2); c.149G>A, p.Gly50Glu (NM_001322011.2, NM_001322012.2); c.509G>A, p.Gly170Glu (NM_001322013.2); c.1082G>A, p.Gly361Glu (NM_001322014.2); c.773G>A, p.Gly258Glu (NM_001322015.2); c.583+2111G>A (NM_001322010.2); c.988+2111G>A (NM_001322006.2); short protein forms G361E, G50E, G226E, G255E, G170E, G258E.
Identifiers: ClinVar variation 418942 (VCV000418942.3), dbSNP rs1064793540, ClinGen allele CA16618519.